The following is an entry in ClinVar:

NM_025265.4(TSEN2):c.583G>T (p.Glu195Ter)

Gene: TSEN2 (tRNA splicing endonuclease subunit 2; plus strand). Cytogenetic location: 3p25.2.
Variant type: single nucleotide variant.
Coding change: c.583G>T on transcript NM_025265.4 (MANE Select); coding-DNA position 583, G replaced by T.
Protein change: p.Glu195Ter; replaces glutamic acid 195 with a stop codon.
Molecular consequence: nonsense. On other transcripts: non-coding transcript variant (1), intron variant (1).
Genome position (GRCh38, 1-based): chr3:12,503,536, G>T. VCF-style: chr3-12503536-G-T. GRCh37 (hg19) VCF-style: chr3-12545035-G-T.
Other names: c.583G>T, p.Glu195Ter (NM_001145392.2, NM_001145393.3, NM_001321277.2 and 2 more transcripts); c.516+67G>T (NM_001145394.2); short protein forms E195*.
Identifiers: ClinVar variation 4803181 (VCV004803181.1).
Genomic context (GRCh38, chr3:12,503,536, plus strand): 5'-GGGGACTCTGGAAAGTCAGGTGGTGTGGGTGATCCCCGTGAGCCATTAGGCTGCCTGCAG[G>T]AGGGCTCTGGCTGCCACCCAACAACAGAGAGCTTTGAGAAAAGCGTGCGAGAGGATGCCT-3'

ClinVar aggregate classification (germline): Pathogenic (1 of 4 stars; one submission).

gnomAD v4.1: 1 of 1,612,578 alleles (0.000062%); highest among the groups gnomAD compares: African/African-American, 0.0013%; no homozygotes.

Submission:

Labcorp Genetics (formerly Invitae), Labcorp
Classification: Pathogenic. Last evaluated: 2026-02-02. Review status: criteria provided, single submitter. Criteria: Invitae Variant Classification Sherloc (09022015). Collection method: clinical testing. Allele origin: germline.
Comment: This sequence change creates a premature translational stop signal (p.Glu195*) in the TSEN2 gene. It is expected to result in an absent or disrupted protein product. Loss-of-function variants in TSEN2 are known to be pathogenic (PMID: 20952379, 38438125). This variant is not present in population databases (gnomAD no frequency). This variant has not been reported in the literature in individuals affected with TSEN2-related conditions. For these reasons, this variant has been classified as Pathogenic.

Literature cited by the submitters: PubMed 20952379; PubMed 38438125.